The following is an entry in ClinVar:

ClinVar aggregate classification (germline): Uncertain significance (1 of 4 stars; one submission).

Conditions:
Primary familial hypertrophic cardiomyopathy (HCM). Identifiers: Orphanet 99739, MedGen C0949658, MeSH D024741, MONDO:0024573. Inheritance: Various modes of inheritance.
Hypertrophic cardiomyopathy 25 (CMH25). Also called: CARDIOMYOPATHY, FAMILIAL HYPERTROPHIC, 25. Identifiers: MedGen C4225408, MONDO:0011843, OMIM 607487.

Allele frequency attached by ClinVar (database versions not stated): gnomAD exomes below 0.00001.

Submission:

Labcorp Genetics (formerly Invitae), Labcorp
Classification: Uncertain significance for Hypertrophic cardiomyopathy 25; Primary familial hypertrophic cardiomyopathy. Last evaluated: 2025-08-20. Review status: criteria provided, single submitter. Criteria: Invitae Variant Classification Sherloc (09022015). Collection method: clinical testing. Allele origin: germline.
Comment: This sequence change replaces glutamic acid, which is acidic and polar, with glycine, which is neutral and non-polar, at codon 5 of the TCAP protein (p.Glu5Gly). This variant is not present in population databases (gnomAD no frequency). This variant has not been reported in the literature in individuals affected with TCAP-related conditions. ClinVar contains an entry for this variant (Variation ID: 2932566). An algorithm developed to predict the effect of missense changes on protein structure and function (PolyPhen-2) suggests that this variant is likely to be disruptive. In summary, the available evidence is currently insufficient to determine the role of this variant in disease. Therefore, it has been classified as a Variant of Uncertain Significance.

NM_003673.4(TCAP):c.14A>G (p.Glu5Gly)

Gene: TCAP (titin-cap; plus strand). Cytogenetic location: 17q12.
Variant type: single nucleotide variant.
Coding change: c.14A>G on transcript NM_003673.4 (MANE Select); coding-DNA position 14, A replaced by G.
Protein change: p.Glu5Gly; replaces glutamic acid 5 with glycine.
Molecular consequence: missense variant.
Genome position (GRCh38, 1-based): chr17:39,665,373, A>G. VCF-style: chr17-39665373-A-G. GRCh37 (hg19) VCF-style: chr17-37821626-A-G.
Other names: short protein forms E5G.
Identifiers: ClinVar variation 2932566 (VCV002932566.3), dbSNP rs2543737618, ClinGen allele CA399302725.